The following is an entry in ClinVar:

NM_007294.4(BRCA1):c.302-9A>G

Gene: BRCA1 (BRCA1 DNA repair associated; minus strand). Cytogenetic location: 17q21.31.
Variant type: single nucleotide variant.
Coding change: c.302-9A>G on transcript NM_007294.4 (MANE Select); 9 bases into the intron before coding-DNA position 302, A replaced by G.
Molecular consequence: intron variant.
Genome position (GRCh38, 1-based): chr17:43,104,270, T>C on the plus strand (A>G on the coding strand, the complement: BRCA1 is on the minus strand). VCF-style: chr17-43104270-T-C. GRCh37 (hg19) VCF-style: chr17-41256287-T-C.
Other names: c.161-9A>G (NM_001408458.1, NM_001407931.1, NM_001407747.1 and 99 more transcripts); c.-218-9410A>G (NM_001407967.1, NM_001407966.1); c.-80-9A>G (NM_001407959.1, NM_001407962.1, NM_001408512.1 and 4 more transcripts); c.92-9A>G (NM_001407885.1, NM_001407886.1, NM_001407898.1 and 58 more transcripts); c.302-9A>G (NM_001407686.1, NM_001408397.1, NM_001407632.1 and 164 more transcripts); c.170-9A>G (NM_001408451.1); c.224-9A>G (NM_001408475.1, NM_001407875.1, NM_001407659.1 and 21 more transcripts); c.293-9A>G (NM_001408408.1, NM_001407647.1, NM_001407646.1).
Identifiers: ClinVar variation 531486 (VCV000531486.20), dbSNP rs1389128798, ClinGen allele CA658798836.

ClinVar aggregate classification (germline): Conflicting classifications of pathogenicity. Review status: criteria provided, conflicting classifications (1 of 4 stars). 4 submissions from 4 submitters: Uncertain significance (2); Likely benign (2). Last evaluated 2025-09-12.

Conditions:
Hereditary breast ovarian cancer syndrome. Also called: Hereditary breast and ovarian cancer syndrome (HBOC); BRCA1- and BRCA2-Associated Hereditary Breast and Ovarian Cancer; Hereditary breast and ovarian cancer syndrome; Breast and ovarian cancer; Hereditary breast and ovarian cancer; Hereditary breast and/or ovarian cancer syndrome. Identifiers: Orphanet 145, MedGen C0677776, MeSH D061325, MONDO:0003582. Disease mechanism: loss of function.
Hereditary cancer-predisposing syndrome. Also called: Hereditary neoplastic syndrome; Neoplastic Syndromes, Hereditary; Tumor predisposition; Hereditary Cancer Syndrome. Identifiers: Orphanet 140162, MedGen C0027672, MeSH D009386, MONDO:0015356.

Allele frequency attached by ClinVar (database versions not stated): gnomAD exomes below 0.00001; TOPMed below 0.00001; gnomAD 0.00001.
gnomAD v4.1: 2 of 1,608,052 alleles (0.00012%); highest among the groups gnomAD compares: African/African-American, 0.0027%; no homozygotes.

Submissions (4):

Labcorp Genetics (formerly Invitae), Labcorp
Classification: Likely benign for Hereditary breast ovarian cancer syndrome. Last evaluated: 2025-09-12. Review status: criteria provided, single submitter. Criteria: Invitae Variant Classification Sherloc (09022015). Collection method: clinical testing. Allele origin: germline.

Women's Health and Genetics/Laboratory Corporation of America, LabCorp
Classification: Likely benign. Last evaluated: 2024-12-11. Review status: criteria provided, single submitter. Criteria: LabCorp Variant Classification Summary - May 2015. Collection method: clinical testing. Allele origin: germline.

Quest Diagnostics Nichols Institute San Juan Capistrano
Classification: Uncertain significance. Last evaluated: 2024-08-02. Review status: criteria provided, single submitter. Criteria: Quest Diagnostics criteria. Collection method: clinical testing. Allele origin: unknown.
Comment: The BRCA1 c.302-9A>G variant has not been reported in individuals with BRCA1-related conditions in the published literature. The frequency of this variant in the general population, 0.0000066 (1/152064 chromosomes (Genome Aggregation Database)), is uninformative in the assessment of its pathogenicity. Analysis of this variant using software algorithms for the prediction of the effect of nucleotide changes on splicing yielded predictions that this variant does not affect BRCA1 mRNA splicing. Based on the available information, we are unable to determine the clinical significance of this variant.

Color Diagnostics, LLC DBA Color Health
Classification: Uncertain significance for Hereditary cancer-predisposing syndrome. Last evaluated: 2023-06-30. Review status: criteria provided, single submitter. Criteria: ACMG Guidelines, 2015. Collection method: clinical testing. Allele origin: germline.
Comment: This variant causes an A to G nucleotide substitution at the -9 position of intron 5 of the BRCA1 gene. To our knowledge, functional studies have not been reported for this variant. This variant has not been reported in individuals affected with BRCA1-related disorders in the literature. This variant has not been identified in the general population by the Genome Aggregation Database (gnomAD). The available evidence is insufficient to determine the role of this variant in disease conclusively. Therefore, this variant is classified as a Variant of Uncertain Significance.